The following is an entry in ClinVar:

NM_024915.4(GRHL2):c.1276C>T (p.Arg426Ter)

Gene: GRHL2 (grainyhead like transcription factor 2; plus strand). Cytogenetic location: 8q22.3.
Variant type: single nucleotide variant.
Coding change: c.1276C>T on transcript NM_024915.4 (MANE Select); coding-DNA position 1276, C replaced by T.
Protein change: p.Arg426Ter; replaces arginine 426 with a stop codon.
Molecular consequence: nonsense.
Genome position (GRCh38, 1-based): chr8:101,631,655, C>T. VCF-style: chr8-101631655-C-T. GRCh37 (hg19) VCF-style: chr8-102643883-C-T.
Other names: c.1228C>T, p.Arg410Ter (NM_001330593.2); c.1276C>T (NM_024915.3); short protein forms R410*, R426*.
Identifiers: ClinVar variation 2982279 (VCV002982279.4), dbSNP rs372210965, ClinGen allele CA371588890.

ClinVar aggregate classification (germline): Pathogenic/Likely pathogenic. Review status: criteria provided, multiple submitters, no conflicts (2 of 4 stars). 2 submissions from 2 submitters: Pathogenic (1); Likely pathogenic (1). Last evaluated 2026-03-13.

gnomAD v4.1: 1 of 1,613,422 alleles (0.000062%); highest among the groups gnomAD compares: Non-Finnish European, 0.000085%; no homozygotes.

Submissions (2):

GeneDx
Classification: Likely pathogenic. Last evaluated: 2026-03-13. Review status: criteria provided, single submitter. Criteria: GeneDx Variant Classification Process June 2021. Collection method: clinical testing. Allele origin: germline.
Comment: Nonsense variant predicted to result in protein truncation or nonsense mediated decay in a gene for which loss of function is a known mechanism of disease; Identified in individual(s) with nonsyndromic hearing loss in published literature (PMID: 32048449); Published functional studies demonstrate a damaging effect: significant decrease in promoter transcriptional transactivation activity compared to wild-type (PMID: 39932703); Not observed at significant frequency in large population cohorts (gnomAD); This variant is associated with the following publications: (PMID: 33810548, 41368739, 39932703, 32048449)

Labcorp Genetics (formerly Invitae), Labcorp
Classification: Pathogenic. Last evaluated: 2023-10-22. Review status: criteria provided, single submitter. Criteria: Invitae Variant Classification Sherloc (09022015). Collection method: clinical testing. Allele origin: germline.
Comment: This sequence change creates a premature translational stop signal (p.Arg426*) in the GRHL2 gene. It is expected to result in an absent or disrupted protein product. Loss-of-function variants in GRHL2 are known to be pathogenic (PMID: 12393799, 27911912). This variant is not present in population databases (gnomAD no frequency). This premature translational stop signal has been observed in individual(s) with autosomal dominant nonsyndromic deafness (PMID: 32048449). For these reasons, this variant has been classified as Pathogenic.

Literature cited by the submitters: PubMed 12393799 (cited by Labcorp Genetics (formerly Invitae), Labcorp); PubMed 27911912 (cited by Labcorp Genetics (formerly Invitae), Labcorp); PubMed 32048449 (cited by Labcorp Genetics (formerly Invitae), Labcorp).